The following is an entry in ClinVar:

NM_031885.5(BBS2):c.717+2T>G

Gene: BBS2 (Bardet-Biedl syndrome 2; minus strand). Cytogenetic location: 16q13.
Variant type: single nucleotide variant.
Coding change: c.717+2T>G on transcript NM_031885.5 (MANE Select); the canonical splice donor site of the intron after coding-DNA position 717, T replaced by G.
Molecular consequence: splice donor variant.
Genome position (GRCh38, 1-based): chr16:56,506,118, A>C on the plus strand (T>G on the coding strand, the complement: BBS2 is on the minus strand). VCF-style: chr16-56506118-A-C. GRCh37 (hg19) VCF-style: chr16-56540030-A-C.
Other names: c.717+2T>G (NM_001377456.1).
Identifiers: ClinVar variation 552231 (VCV000552231.8), dbSNP rs1555522893, ClinGen allele CA395982865.

ClinVar aggregate classification (germline): Pathogenic. Review status: criteria provided, multiple submitters, no conflicts (2 of 4 stars). 3 submissions from 3 submitters: Pathogenic (2). 1 of the submissions does not count toward it. Last evaluated 2024-01-31.

Conditions:
Bardet-Biedl syndrome (BBS). Identifiers: Orphanet 110, MedGen C0752166, MONDO:0015229.
Bardet-Biedl syndrome 2 (BBS2). Identifiers: Orphanet 110, MedGen C2936863, MONDO:0014432, OMIM 615981.

Submissions (3):

Baylor Genetics
Classification: Pathogenic for Bardet-Biedl syndrome 2. Last evaluated: 2024-01-31. Review status: criteria provided, single submitter. Criteria: ACMG Guidelines, 2015. Collection method: clinical testing. Allele origin: unknown.

Labcorp Genetics (formerly Invitae), Labcorp
Classification: Pathogenic for Bardet-Biedl syndrome. Last evaluated: 2022-07-06. Review status: criteria provided, single submitter. Criteria: Invitae Variant Classification Sherloc (09022015). Collection method: clinical testing. Allele origin: germline.
Comment: For these reasons, this variant has been classified as Pathogenic. Algorithms developed to predict the effect of sequence changes on RNA splicing suggest that this variant may disrupt the consensus splice site. Studies have shown that disruption of this splice site alters BBS2 gene expression (PMID: 28717663). ClinVar contains an entry for this variant (Variation ID: 552231). Disruption of this splice site has been observed in individual(s) with Bardet-Biedl syndrome (PMID: 21052717). This variant is not present in population databases (gnomAD no frequency). This sequence change affects a donor splice site in intron 6 of the BBS2 gene. It is expected to disrupt RNA splicing. Variants that disrupt the donor or acceptor splice site typically lead to a loss of protein function (PMID: 16199547), and loss-of-function variants in BBS2 are known to be pathogenic (PMID: 11285252, 20177705, 24608809, 26518167).

Counsyl
Classification: Likely pathogenic for Bardet-Biedl syndrome 2. Last evaluated: 2017-05-31. Review status: no assertion criteria provided. Collection method: clinical testing. Allele origin: unknown. Not counted in ClinVar's aggregate classification.

Literature cited by the submitters: PubMed 28717663 (cited by Labcorp Genetics (formerly Invitae), Labcorp); PubMed 21052717 (cited by Labcorp Genetics (formerly Invitae), Labcorp and Counsyl); PubMed 16199547 (cited by Labcorp Genetics (formerly Invitae), Labcorp); PubMed 11285252 (cited by Labcorp Genetics (formerly Invitae), Labcorp); PubMed 20177705 (cited by Labcorp Genetics (formerly Invitae), Labcorp); PubMed 24608809 (cited by Labcorp Genetics (formerly Invitae), Labcorp); PubMed 26518167 (cited by Labcorp Genetics (formerly Invitae), Labcorp).